The following is an entry in ClinVar:

ClinVar aggregate classification (germline): Uncertain significance (1 of 4 stars; one submission).

Conditions:
Hereditary cancer-predisposing syndrome. Also called: Neoplastic Syndromes, Hereditary; Hereditary Cancer Syndrome; Hereditary neoplastic syndrome; Tumor predisposition. Identifiers: Orphanet 140162, MedGen C0027672, MeSH D009386, MONDO:0015356.

Allele frequency attached by ClinVar (database versions not stated): gnomAD exomes below 0.00001.
gnomAD v4.1: 1 of 1,609,118 alleles (0.000062%); highest among the groups gnomAD compares: Non-Finnish European, 0.000085%; no homozygotes.

Submission:

Ambry Genetics
Classification: Uncertain significance for Hereditary cancer-predisposing syndrome. Last evaluated: 2025-11-17. Review status: criteria provided, single submitter. Criteria: Ambry Variant Classification Scheme 2023. Collection method: clinical testing. Allele origin: germline.
Comment: The p.G24A variant (also known as c.71G>C), located in coding exon 3 of the SMARCE1 gene, results from a G to C substitution at nucleotide position 71. The glycine at codon 24 is replaced by alanine, an amino acid with similar properties. This amino acid position is highly conserved in available vertebrate species. In addition, the in silico prediction for this alteration is inconclusive. Based on the available evidence, the clinical significance of this variant remains unclear.

NM_003079.5(SMARCE1):c.71G>C (p.Gly24Ala)

Gene: SMARCE1 (SWI/SNF related BAF chromatin remodeling complex subunit E1; minus strand). Cytogenetic location: 17q21.2.
Variant type: single nucleotide variant.
Coding change: c.71G>C on transcript NM_003079.5 (MANE Select); coding-DNA position 71, G replaced by C.
Protein change: p.Gly24Ala; replaces glycine 24 with alanine.
Molecular consequence: missense variant.
Genome position (GRCh38, 1-based): chr17:40,642,540, C>G on the plus strand (G>C on the coding strand, the complement: SMARCE1 is on the minus strand). VCF-style: chr17-40642540-C-G. GRCh37 (hg19) VCF-style: chr17-38798792-C-G.
Other names: short protein forms G24A.
Identifiers: ClinVar variation 2564313 (VCV002564313.3), dbSNP rs2508613601, ClinGen allele CA399369963.